The following is an entry in ClinVar:

NM_002900.3(RBP3):c.1220A>T (p.Asp407Val)

Gene: RBP3 (retinol binding protein 3; plus strand). Cytogenetic location: 10q11.22.
Variant type: single nucleotide variant.
Coding change: c.1220A>T on transcript NM_002900.3 (MANE Select); coding-DNA position 1220, A replaced by T.
Protein change: p.Asp407Val; replaces aspartic acid 407 with valine.
Molecular consequence: missense variant.
Genome position (GRCh38, 1-based): chr10:47,349,704, A>T. VCF-style: chr10-47349704-A-T. GRCh37 (hg19) VCF-style: chr10-48389658-T-A.
Other names: short protein forms D407V.
Identifiers: ClinVar variation 1933947 (VCV001933947.5), dbSNP rs2549028403, ClinGen allele CA376668948.

ClinVar aggregate classification (germline): Uncertain significance (1 of 4 stars; one submission).

Submission:

Labcorp Genetics (formerly Invitae), Labcorp
Classification: Uncertain significance. Last evaluated: 2023-07-10. Review status: criteria provided, single submitter. Criteria: Invitae Variant Classification Sherloc (09022015). Collection method: clinical testing. Allele origin: germline.
Comment: An algorithm developed to predict the effect of missense changes on protein structure and function (PolyPhen-2) suggests that this variant is likely to be tolerated. In summary, the available evidence is currently insufficient to determine the role of this variant in disease. Therefore, it has been classified as a Variant of Uncertain Significance. ClinVar contains an entry for this variant (Variation ID: 1933947). This variant has not been reported in the literature in individuals affected with RBP3-related conditions. This variant is not present in population databases (gnomAD no frequency). This sequence change replaces aspartic acid, which is acidic and polar, with valine, which is neutral and non-polar, at codon 407 of the RBP3 protein (p.Asp407Val).